The following is an entry in ClinVar:

ClinVar aggregate classification (germline): Uncertain significance (1 of 4 stars; one submission).

Submission:

Labcorp Genetics (formerly Invitae), Labcorp
Classification: Uncertain significance. Last evaluated: 2024-07-29. Review status: criteria provided, single submitter. Criteria: Invitae Variant Classification Sherloc (09022015). Collection method: clinical testing. Allele origin: germline.
Comment: This sequence change falls in intron 14 of the ITPR1 gene. It does not directly change the encoded amino acid sequence of the ITPR1 protein. Information on the frequency of this variant in the gnomAD database is not available, as this variant may be reported differently in the database. This variant has not been reported in the literature in individuals affected with ITPR1-related conditions. ClinVar contains an entry for this variant (Variation ID: 1932852). Experimental studies and prediction algorithms are not available or were not evaluated, and the effect of this variant on mRNA splicing is currently unknown. In summary, the available evidence is currently insufficient to determine the role of this variant in disease. Therefore, it has been classified as a Variant of Uncertain Significance.

NM_001378452.1(ITPR1):c.1412+11_1412+12delinsTT

Gene: ITPR1 (inositol 1,4,5-trisphosphate receptor type 1; plus strand). Cytogenetic location: 3p26.1.
Variant type: Indel.
Coding change: c.1412+11_1412+12delinsTT on transcript NM_001378452.1 (MANE Select); bases 11 to 12 of the intron after coding-DNA position 1412, CC replaced by TT.
Molecular consequence: intron variant.
Genome position (GRCh38, 1-based): chr3:4,662,253-4,662,254, CC replaced by TT. VCF-style: chr3-4662253-CC-TT. GRCh37 (hg19) VCF-style: chr3-4703937-CC-TT.
Other names: c.1412+11_1412+12delinsTT (NM_001099952.4); c.1367+11_1367+12delinsTT (NM_001168272.2, NM_002222.7).
Identifiers: ClinVar variation 1932852 (VCV001932852.5), dbSNP rs2470701505, ClinGen allele CA2580069166.